The following is an entry in ClinVar:

NM_032581.4(HYCC1):c.878C>T (p.Ser293Phe)

Gene: HYCC1 (hyccin PI4KA lipid kinase complex subunit 1; minus strand). Cytogenetic location: 7p15.3.
Variant type: single nucleotide variant.
Coding change: c.878C>T on transcript NM_032581.4 (MANE Select); coding-DNA position 878, C replaced by T.
Protein change: p.Ser293Phe; replaces serine 293 with phenylalanine.
Molecular consequence: missense variant.
Genome position (GRCh38, 1-based): chr7:22,960,369, G>A on the plus strand (C>T on the coding strand, the complement: HYCC1 is on the minus strand). VCF-style: chr7-22960369-G-A. GRCh37 (hg19) VCF-style: chr7-22999988-G-A.
Other names: c.878C>T (NM_032581.3); c.878C>T, p.Ser293Phe (NM_001363466.2, NM_001363467.2); short protein forms S293F.
Identifiers: ClinVar variation 2070517 (VCV002070517.7), dbSNP rs747146252, ClinGen allele CA4185876.

ClinVar aggregate classification (germline): Uncertain significance. Review status: criteria provided, multiple submitters, no conflicts (2 of 4 stars). 2 submissions from 2 submitters: Uncertain significance (2). Last evaluated 2025-06-24.

Conditions:
Hypomyelination and Congenital Cataract (HLD5). Also called: hypomyelinating leukodystrophy 5. Identifiers: Orphanet 85163, MedGen C1864663, MONDO:0012514, OMIM 610532.
Inborn genetic diseases. Identifiers: MedGen C0950123, MeSH D030342.

Allele frequency attached by ClinVar (database versions not stated): gnomAD 0.00001; ExAC 0.00005; TOPMed 0.00001; gnomAD exomes 0.00005.
gnomAD v4.1: 76 of 1,613,284 alleles (0.0047%); highest among the groups gnomAD compares: Non-Finnish European, 0.0061%; no homozygotes.

Submissions (2):

Ambry Genetics
Classification: Uncertain significance for Inborn genetic diseases. Last evaluated: 2025-06-24. Review status: criteria provided, single submitter. Criteria: Ambry Variant Classification Scheme 2023. Collection method: clinical testing. Allele origin: germline.

Labcorp Genetics (formerly Invitae), Labcorp
Classification: Uncertain significance for Hypomyelination and Congenital Cataract. Last evaluated: 2021-12-14. Review status: criteria provided, single submitter. Criteria: Invitae Variant Classification Sherloc (09022015). Collection method: clinical testing. Allele origin: germline.
Comment: In summary, the available evidence is currently insufficient to determine the role of this variant in disease. Therefore, it has been classified as a Variant of Uncertain Significance. Algorithms developed to predict the effect of missense changes on protein structure and function are either unavailable or do not agree on the potential impact of this missense change (SIFT: "Deleterious"; PolyPhen-2: "Probably Damaging"; Align-GVGD: "Class C0"). This variant has not been reported in the literature in individuals affected with FAM126A-related conditions. This variant is present in population databases (rs747146252, gnomAD 0.007%). This sequence change replaces serine, which is neutral and polar, with phenylalanine, which is neutral and non-polar, at codon 293 of the FAM126A protein (p.Ser293Phe).